The following is an entry in ClinVar:

NM_138370.3(PKDCC):c.68A>G (p.Asn23Ser)

Genes: PKDCC (protein kinase domain containing, cytoplasmic; plus strand), LOC129933563 (ATAC-STARR-seq lymphoblastoid silent region 11396; plus strand). Cytogenetic location: 2p21.
Variant type: single nucleotide variant.
Coding change: c.68A>G on transcript NM_138370.3 (MANE Select); coding-DNA position 68, A replaced by G.
Protein change: p.Asn23Ser; replaces asparagine 23 with serine.
Molecular consequence: missense variant.
Genome position (GRCh38, 1-based): chr2:42,048,267, A>G. VCF-style: chr2-42048267-A-G. GRCh37 (hg19) VCF-style: chr2-42275407-A-G.
Other names: short protein forms N23S.
Identifiers: ClinVar variation 4807122 (VCV004807122.1).
Genomic context (GRCh38, chr2:42,048,267, plus strand): 5'-GCCGGCGGGCGGCAGTGGCCGCGGGTTTCTGCGCCTCCTTCCTGCTGGGCTCCGTCCTCA[A>G]CGTGCTCTTCGCTCCGGGCTCGGAGCCTCCGAGGCCAGGCCAGTCCCCTGAGCCTTCGCC-3'
Protein context (NP_612379.2, residues 13-33): CASFLLGSVL[Asn23Ser]VLFAPGSEPP

ClinVar aggregate classification (germline): Uncertain significance (1 of 4 stars; one submission).

Submission:

Labcorp Genetics (formerly Invitae), Labcorp
Classification: Uncertain significance. Last evaluated: 2025-08-13. Review status: criteria provided, single submitter. Criteria: Invitae Variant Classification Sherloc (09022015). Collection method: clinical testing. Allele origin: germline.
Comment: This sequence change replaces asparagine, which is neutral and polar, with serine, which is neutral and polar, at codon 23 of the PKDCC protein (p.Asn23Ser). This variant is not present in population databases (gnomAD no frequency). This variant has not been reported in the literature in individuals affected with PKDCC-related conditions. An algorithm developed to predict the effect of missense changes on protein structure and function (PolyPhen-2) suggests that this variant is likely to be tolerated. In summary, the available evidence is currently insufficient to determine the role of this variant in disease. Therefore, it has been classified as a Variant of Uncertain Significance.